The following is an entry in ClinVar:

NM_000089.4(COL1A2):c.604G>A (p.Gly202Ser)

Gene: COL1A2 (collagen type I alpha 2 chain; plus strand). Cytogenetic location: 7q21.3.
Variant type: single nucleotide variant.
Coding change: c.604G>A on transcript NM_000089.4 (MANE Select); coding-DNA position 604, G replaced by A.
Protein change: p.Gly202Ser; replaces glycine 202 with serine.
Molecular consequence: missense variant.
Genome position (GRCh38, 1-based): chr7:94,407,856, G>A. VCF-style: chr7-94407856-G-A. GRCh37 (hg19) VCF-style: chr7-94037168-G-A.
Other names: short protein forms G202S.
Identifiers: ClinVar variation 1029637 (VCV001029637.2), dbSNP rs72656376, ClinGen allele CA368220141.

ClinVar aggregate classification (germline): Likely pathogenic. Review status: criteria provided, multiple submitters, no conflicts (2 of 4 stars). 2 submissions from 2 submitters: Likely pathogenic (2). Last evaluated 2026-09-21.

Conditions:
COL1A2-related osteogenesis imperfecta. Identifiers: MedGen CN379211, MONDO:0100596.
Osteogenesis imperfecta type I (OI1). Also called: Osteogenesis imperfecta type 1; Classic Non-deforming Osteogenesis Imperfecta with Blue Sclerae; Lobstein's Disease; Lobstein disease; OI, TYPE I; OSTEOGENESIS IMPERFECTA TARDA. Identifiers: Orphanet 216796, Orphanet 666, MedGen C0023931, MONDO:0008146, OMIM 166200. Disease mechanism: loss of function.

Allele frequency attached by ClinVar (database versions not stated): gnomAD exomes below 0.00001.

Submissions (2):

Clinical Genetics Laboratory, Skane University Hospital Lund
Classification: Likely pathogenic for COL1A2-related osteogenesis imperfecta. Last evaluated: 2026-09-21. Review status: criteria provided, single submitter. Criteria: ACMG Guidelines, 2015. Collection method: clinical testing. Allele origin: germline. Inheritance: Autosomal dominant inheritance. Affected: yes.
Comment: ACMG criteria applied: PM1_Strong, PM2 and PP3.

Baylor Genetics
Classification: Likely pathogenic for Osteogenesis imperfecta type I. Last evaluated: 2020-06-03. Review status: criteria provided, single submitter. Criteria: ACMG Guidelines, 2015. Collection method: clinical testing. Allele origin: unknown. Affected: yes.
Comment: This variant was determined to be likely pathogenic according to ACMG Guidelines, 2015 [PMID:25741868].